The following is an entry in ClinVar:

NM_006218.4(PIK3CA):c.937A>G (p.Thr313Ala)

Gene: PIK3CA (phosphatidylinositol-4,5-bisphosphate 3-kinase catalytic subunit alpha; plus strand). Cytogenetic location: 3q26.32.
Variant type: single nucleotide variant.
Coding change: c.937A>G on transcript NM_006218.4 (MANE Select); coding-DNA position 937, A replaced by G.
Protein change: p.Thr313Ala; replaces threonine 313 with alanine.
Molecular consequence: missense variant.
Genome position (GRCh38, 1-based): chr3:179,203,667, A>G. VCF-style: chr3-179203667-A-G. GRCh37 (hg19) VCF-style: chr3-178921455-A-G.
Other names: short protein forms T313A.
Identifiers: ClinVar variation 3418543 (VCV003418543.1).

ClinVar aggregate classification (germline): Uncertain significance (1 of 4 stars; one submission).

Conditions:
Inborn genetic diseases. Identifiers: MedGen C0950123, MeSH D030342.

Submission:

Ambry Genetics
Classification: Uncertain significance for Inborn genetic diseases. Last evaluated: 2024-10-23. Review status: criteria provided, single submitter. Criteria: Ambry Variant Classification Scheme 2023. Collection method: clinical testing. Allele origin: germline.
Comment: The p.T313A variant (also known as c.937A>G), located in coding exon 4 of the PIK3CA gene, results from an A to G substitution at nucleotide position 937. The threonine at codon 313 is replaced by alanine, an amino acid with similar properties. This amino acid position is conserved. In addition, the in silico prediction for this alteration is inconclusive. Based on the available evidence, the clinical significance of this variant remains unclear.